The following is an entry in ClinVar:

ClinVar aggregate classification (germline): Uncertain significance (1 of 4 stars; one submission).

Conditions:
Nemaline myopathy 2 (NEM2). Also called: Nemaline myopathy 2, autosomal recessive. Identifiers: MedGen C1850569, MONDO:0009725, OMIM 256030.

Allele frequency attached by ClinVar (database versions not stated): gnomAD exomes below 0.00001.
gnomAD v4.1: 1 of 1,613,754 alleles (0.000062%); highest among the groups gnomAD compares: Non-Finnish European, 0.000085%; no homozygotes.

Submission:

Labcorp Genetics (formerly Invitae), Labcorp
Classification: Uncertain significance for Nemaline myopathy 2. Last evaluated: 2022-07-19. Review status: criteria provided, single submitter. Criteria: Invitae Variant Classification Sherloc (09022015). Collection method: clinical testing. Allele origin: germline.
Comment: This sequence change replaces threonine, which is neutral and polar, with alanine, which is neutral and non-polar, at codon 6453 of the NEB protein (p.Thr6453Ala). This variant is not present in population databases (gnomAD no frequency). This variant has not been reported in the literature in individuals affected with NEB-related conditions. ClinVar contains an entry for this variant (Variation ID: 1355809). Algorithms developed to predict the effect of missense changes on protein structure and function are either unavailable or do not agree on the potential impact of this missense change (SIFT: "Deleterious"; PolyPhen-2: "Not Available"; Align-GVGD: "Class C0"). In summary, the available evidence is currently insufficient to determine the role of this variant in disease. Therefore, it has been classified as a Variant of Uncertain Significance.

NM_001164508.2(NEB):c.19357A>G (p.Thr6453Ala)

Gene: NEB (nebulin; minus strand). Cytogenetic location: 2q23.3.
Variant type: single nucleotide variant.
Coding change: c.19357A>G on transcript NM_001164508.2 (MANE Select); coding-DNA position 19357, A replaced by G.
Protein change: p.Thr6453Ala; replaces threonine 6453 with alanine.
Molecular consequence: missense variant.
Genome position (GRCh38, 1-based): chr2:151,555,002, T>C on the plus strand (A>G on the coding strand, the complement: NEB is on the minus strand). VCF-style: chr2-151555002-T-C. GRCh37 (hg19) VCF-style: chr2-152411516-T-C.
Other names: c.19357A>G, p.Thr6453Ala (NM_001271208.2, NM_001164507.2); c.14254A>G, p.Thr4752Ala (NM_004543.5); short protein forms T6453A, T4752A.
Identifiers: ClinVar variation 1355809 (VCV001355809.3), dbSNP rs968182845, ClinGen allele CA57649310.
Genomic context (GRCh38, chr2:151,555,002, plus strand): 5'-GCTTGCCAACTCGGAGGCACCGTGCTGTGTTCGGATCATCGTCAACACTTCTTGGTAACG[T>C]ATAAAGAGCTTTGAACTTTTCATATTCTTCCCGATATTTGATCTATAGAGAATAAGTAGA-3'
Protein context (NP_001157980.2, residues 6443-6463): EEYEKFKALY[Thr6453Ala]LPRSVDDDPN